The following is an entry in ClinVar:

NM_000256.3(MYBPC3):c.1193A>G (p.Lys398Arg)

Gene: MYBPC3 (myosin binding protein C3; minus strand). Cytogenetic location: 11p11.2.
Variant type: single nucleotide variant.
Coding change: c.1193A>G on transcript NM_000256.3 (MANE Select); coding-DNA position 1193, A replaced by G.
Protein change: p.Lys398Arg; replaces lysine 398 with arginine.
Molecular consequence: missense variant.
Genome position (GRCh38, 1-based): chr11:47,343,522, T>C on the plus strand (A>G on the coding strand, the complement: MYBPC3 is on the minus strand). VCF-style: chr11-47343522-T-C. GRCh37 (hg19) VCF-style: chr11-47365073-T-C.
Other names: short protein forms K398R.
Identifiers: ClinVar variation 2910945 (VCV002910945.3), dbSNP rs2495765518, ClinGen allele CA380328653.

ClinVar aggregate classification (germline): Uncertain significance. Review status: criteria provided, multiple submitters, no conflicts (2 of 4 stars). 2 submissions from 2 submitters: Uncertain significance (2). Last evaluated 2024-06-11.

Conditions:
Hypertrophic cardiomyopathy. Also called: HYPERTROPHIC MYOCARDIOPATHY. Identifiers: Orphanet 217569, MedGen C0007194, MeSH D002312, MONDO:0005045, HP:0001639.

Allele frequency attached by ClinVar (database versions not stated): gnomAD exomes 0.00001.
gnomAD v4.1: 11 of 1,601,078 alleles (0.00069%); highest among the groups gnomAD compares: Non-Finnish European, 0.00094%; no homozygotes.

Submissions (2):

All of Us Research Program, National Institutes of Health
Classification: Uncertain significance for Hypertrophic cardiomyopathy. Last evaluated: 2024-06-11. Review status: criteria provided, single submitter. Criteria: ACMG Guidelines, 2015. Collection method: clinical testing. Allele origin: germline. Inheritance: Autosomal dominant inheritance. Observed: 1 variant allele, 1 heterozygote.
Comment: This study involves interpretation of variants in research participants for the purpose of population health screening. Participant phenotype was not available at the time of variant classification. Additional details can be found in publication PMID: 35346344, PMCID: PMC8962531

Labcorp Genetics (formerly Invitae), Labcorp
Classification: Uncertain significance for Hypertrophic cardiomyopathy. Last evaluated: 2023-11-07. Review status: criteria provided, single submitter. Criteria: Invitae Variant Classification Sherloc (09022015). Collection method: clinical testing. Allele origin: germline.
Comment: This sequence change replaces lysine, which is basic and polar, with arginine, which is basic and polar, at codon 398 of the MYBPC3 protein (p.Lys398Arg). This variant is not present in population databases (gnomAD no frequency). This variant has not been reported in the literature in individuals affected with MYBPC3-related conditions. An algorithm developed to predict the effect of missense changes on protein structure and function (PolyPhen-2) suggests that this variant is likely to be disruptive. In summary, the available evidence is currently insufficient to determine the role of this variant in disease. Therefore, it has been classified as a Variant of Uncertain Significance.